The following is an entry in ClinVar:

ClinVar aggregate classification (germline): Conflicting classifications of pathogenicity. Review status: criteria provided, conflicting classifications (1 of 4 stars). 2 submissions from 2 submitters: Uncertain significance (1); Likely benign (1). Last evaluated 2023-03-23.

Conditions:
Hereditary cancer-predisposing syndrome. Also called: Neoplastic Syndromes, Hereditary; Hereditary Cancer Syndrome; Tumor predisposition; Hereditary neoplastic syndrome. Identifiers: Orphanet 140162, MedGen C0027672, MeSH D009386, MONDO:0015356.
Hereditary breast ovarian cancer syndrome. Also called: BRCA1- and BRCA2-Associated Hereditary Breast and Ovarian Cancer; Hereditary breast and/or ovarian cancer syndrome; Hereditary breast and ovarian cancer syndrome; Hereditary breast and ovarian cancer syndrome (HBOC); Breast and ovarian cancer; Hereditary breast and ovarian cancer. Identifiers: Orphanet 145, MedGen C0677776, MeSH D061325, MONDO:0003582. Disease mechanism: loss of function.

Submissions (2):

University of Washington Department of Laboratory Medicine, University of Washington
Classification: Likely benign for Hereditary cancer-predisposing syndrome. Last evaluated: 2023-03-23. Review status: criteria provided, single submitter. Criteria: Dines et al. (Genet Med. 2020). Collection method: curation. Allele origin: germline.
Comment: Missense variant in a coldspot region where missense variants are very unlikely to be pathogenic (PMID:31911673).

BRCA1 coldspot (exon 11 using historical exon numbering). Reclassification based on statistical prior probability

Labcorp Genetics (formerly Invitae), Labcorp
Classification: Uncertain significance for Hereditary breast ovarian cancer syndrome. Last evaluated: 2022-01-02. Review status: criteria provided, single submitter. Criteria: Invitae Variant Classification Sherloc (09022015). Collection method: clinical testing. Allele origin: germline.
Comment: This sequence change replaces asparagine, which is neutral and polar, with lysine, which is basic and polar, at codon 555 of the BRCA1 protein (p.Asn555Lys). This variant is not present in population databases (gnomAD no frequency). This variant has not been reported in the literature in individuals affected with BRCA1-related conditions. Advanced modeling of protein sequence and biophysical properties (such as structural, functional, and spatial information, amino acid conservation, physicochemical variation, residue mobility, and thermodynamic stability) performed at Invitae indicates that this missense variant is not expected to disrupt BRCA1 protein function. In summary, the available evidence is currently insufficient to determine the role of this variant in disease. Therefore, it has been classified as a Variant of Uncertain Significance.

NM_007294.4(BRCA1):c.1665T>G (p.Asn555Lys)

Gene: BRCA1 (BRCA1 DNA repair associated; minus strand). Cytogenetic location: 17q21.31.
Variant type: single nucleotide variant.
Coding change: c.1665T>G on transcript NM_007294.4 (MANE Select); coding-DNA position 1665, T replaced by G.
Protein change: p.Asn555Lys; replaces asparagine 555 with lysine.
Molecular consequence: missense variant. On other transcripts: intron variant (137).
Genome position (GRCh38, 1-based): chr17:43,093,866, A>C on the plus strand (T>G on the coding strand, the complement: BRCA1 is on the minus strand). VCF-style: chr17-43093866-A-C. GRCh37 (hg19) VCF-style: chr17-41245883-A-C.
Other names: c.1455T>G, p.Asn485Lys (NM_001407885.1, NM_001407886.1, NM_001407887.1 and 13 more transcripts); c.1452T>G, p.Asn484Lys (NM_001407894.1, NM_001407895.1, NM_001407896.1 and 9 more transcripts); c.1542T>G, p.Asn514Lys (NM_001407919.1, NM_001407648.1, NM_001407664.1 and 19 more transcripts); c.1401T>G, p.Asn467Lys (NM_001407920.1, NM_001407921.1, NM_001407922.1 and 9 more transcripts); c.577+878T>G (NM_001408513.1, NM_001408489.1, NM_001408479.1 and 9 more transcripts); c.520+878T>G (NM_001408503.1, NM_001408505.1, NM_001408504.1); c.523+878T>G (NM_001408500.1, NM_001408497.1, NM_001408496.1 and 3 more transcripts); c.646+878T>G (NM_001408466.1, NM_001408452.1, NM_001408457.1 and 11 more transcripts); and 40 more; short protein forms N387K, N428K, N484K, N508K, N528K, N529K, N259K, N427K.
Identifiers: ClinVar variation 2070908 (VCV002070908.6), dbSNP rs2154431329, ClinGen allele CA10598703.
Genomic context (GRCh38, chr17:43,093,866, plus strand): 5'-TTCGAGTGATTCTATTGGGTTAGGATTTTTCTCATTCTGAATAGAATCACCTTTTGTTTT[A>C]TTCTCATGACCACTATTAGTAATATTCATCACTTGACCATTCTGCTCCGTTTGGTTAGTT-3'
Protein context (NP_009225.1, residues 545-565): VMNITNSGHE[Asn555Lys]KTKGDSIQNE